The following is an entry in ClinVar:

ClinVar aggregate classification (germline): Uncertain significance (1 of 4 stars; one submission).

gnomAD v4.1: 4 of 1,614,096 alleles (0.00025%); highest among the groups gnomAD compares: African/African-American, 0.004%; no homozygotes.

Submission:

GeneDx
Classification: Uncertain significance. Last evaluated: 2023-10-28. Review status: criteria provided, single submitter. Criteria: GeneDx Variant Classification Process June 2021. Collection method: clinical testing. Allele origin: germline. Affected: yes.
Comment: Not observed at significant frequency in large population cohorts (gnomAD); In silico analysis supports that this missense variant does not alter protein structure/function; Has not been previously published as pathogenic or benign to our knowledge

NM_173500.4(TTBK2):c.3697C>G (p.Gln1233Glu)

Gene: TTBK2 (tau tubulin kinase 2; minus strand). Cytogenetic location: 15q15.2.
Variant type: single nucleotide variant.
Coding change: c.3697C>G on transcript NM_173500.4 (MANE Select); coding-DNA position 3697, C replaced by G.
Protein change: p.Gln1233Glu; replaces glutamine 1233 with glutamic acid.
Molecular consequence: missense variant.
Genome position (GRCh38, 1-based): chr15:42,745,833, G>C on the plus strand (C>G on the coding strand, the complement: TTBK2 is on the minus strand). VCF-style: chr15-42745833-G-C. GRCh37 (hg19) VCF-style: chr15-43038031-G-C.
Other names: short protein forms Q1233E.
Identifiers: ClinVar variation 3363350 (VCV003363350.1).